The following is an entry in ClinVar:

NM_017433.5(MYO3A):c.1971T>C (p.Thr657=)

Gene: MYO3A (myosin IIIA; plus strand). Cytogenetic location: 10p12.1.
Variant type: single nucleotide variant.
Coding change: c.1971T>C on transcript NM_017433.5 (MANE Select); coding-DNA position 1971, T replaced by C.
Protein change: p.Thr657=; no amino-acid change (threonine 657 retained).
Molecular consequence: synonymous variant.
Genome position (GRCh38, 1-based): chr10:26,125,465, T>C. VCF-style: chr10-26125465-T-C. GRCh37 (hg19) VCF-style: chr10-26414394-T-C.
Identifiers: ClinVar variation 164617 (VCV000164617.18), dbSNP rs112195128, ClinGen allele CA177331.

ClinVar aggregate classification (germline): Conflicting classifications of pathogenicity. Review status: criteria provided, conflicting classifications (1 of 4 stars). 4 submissions from 4 submitters: Uncertain significance (1); Benign (3). Last evaluated 2025-12-30.

Conditions:
Autosomal recessive nonsyndromic hearing loss 30. Identifiers: Orphanet 90636, MedGen C1846784, MONDO:0011774, OMIM 607101.

Allele frequency attached by ClinVar (database versions not stated): gnomAD exomes 0.00042 and 0.00107; ExAC 0.00127; gnomAD 0.00464 and 0.00489; ESP Exome Variant Server 0.00515; TOPMed 0.00534; 1000 Genomes Project 0.00559; 1000 Genomes Project 30x 0.00578.
gnomAD v4.1: 1,351 of 1,614,066 alleles (0.084%); highest among the groups gnomAD compares: African/African-American, 1.6%; 13 homozygotes.

Submissions (4):

Labcorp Genetics (formerly Invitae), Labcorp
Classification: Benign. Last evaluated: 2025-12-30. Review status: criteria provided, single submitter. Criteria: Invitae Variant Classification Sherloc (09022015). Collection method: clinical testing. Allele origin: germline.

GeneDx
Classification: Benign. Last evaluated: 2020-02-26. Review status: criteria provided, single submitter. Criteria: GeneDx Variant Classification Process June 2021. Collection method: clinical testing. Allele origin: germline. Affected: yes.

Illumina Laboratory Services, Illumina
Classification: Uncertain significance for Autosomal recessive nonsyndromic hearing loss 30. Last evaluated: 2018-01-12. Review status: criteria provided, single submitter. Criteria: ICSL Variant Classification Criteria 13 December 2019. Collection method: clinical testing. Allele origin: germline.

Laboratory for Molecular Medicine, Mass General Brigham Personalized Medicine
Classification: Benign. Last evaluated: 2012-05-07. Review status: criteria provided, single submitter. Criteria: LMM Criteria. Collection method: clinical testing. Allele origin: germline. Observed: 5 variant alleles.
Comment: "Thr657Thr in Exon 19 of MYO3A: This variant is not expected to have clinical si gnificance because it does not alter an amino acid residue, is not located withi n the splice consensus sequence, and has been identified in 1.1% (42/3738) of Af rican American chromosomes from a broad population by the NHLBI Exome Sequencing Project (dbSNP rs112195128)."